The following is an entry in ClinVar:

NM_001012720.2(RGR):c.679del (p.Tyr227fs)

Gene: RGR (retinal G protein coupled receptor; plus strand). Cytogenetic location: 10q23.1.
Variant type: Deletion.
Coding change: c.679del on transcript NM_001012720.2 (MANE Select); coding-DNA position 679, one base deleted (T; older notation c.679delT).
Protein change: p.Tyr227fs; shifts the reading frame from tyrosine 227.
Molecular consequence: frameshift variant. On other transcripts: intron variant (1).
Genome position (GRCh38, 1-based): chr10:84,257,941, T deleted. VCF-style (leftmost placement, unchanged base first): chr10-84257940-CT-C. GRCh37 (hg19) VCF-style: chr10-86017696-CT-C.
Other names: c.691del, p.Tyr231fs (NM_002921.4); c.631-567del (NM_001012722.2); c.691delT (NM_002921.3); short protein forms Y231fs, Y227fs.
Identifiers: ClinVar variation 930891 (VCV000930891.3), dbSNP rs1842908009, ClinGen allele CA1139661586.

ClinVar aggregate classification (germline): Uncertain significance (1 of 4 stars; one submission).

Conditions:
Retinitis pigmentosa 44 (RP44). Identifiers: Orphanet 791, MedGen C3151068, MONDO:0013414, OMIM 613769.

Allele frequency attached by ClinVar (database versions not stated): gnomAD exomes 0.00001.

Submission:

Centre for Mendelian Genomics, University Medical Centre Ljubljana
Classification: Uncertain significance for Retinitis pigmentosa 44. Last evaluated: 2020-01-20. Review status: criteria provided, single submitter. Criteria: ACMG Guidelines, 2015. Collection method: clinical testing. Allele origin: unknown. Affected: yes.
Comment: This variant was classified as: Uncertain significance. The available evidence on this variant's pathogenicity is insufficient or conflicting. The following ACMG criteria were applied in classifying this variant: PM2,PP3.